The following is an entry in ClinVar:

NM_002506.3(NGF):c.-137+13G>T

Genes: NGF-AS1 (NGF antisense RNA 1; plus strand), NGF (nerve growth factor; minus strand). Cytogenetic location: 1p13.2.
Variant type: single nucleotide variant.
Coding change: c.-137+13G>T on transcript NM_002506.3 (MANE Select); 13 bases into the intron after 137 bases upstream of the start codon, G replaced by T.
Molecular consequence: intron variant.
Genome position (GRCh38, 1-based): chr1:115,338,191, C>A on the plus strand (G>T on the coding strand, the complement: NGF is on the minus strand). VCF-style: chr1-115338191-C-A. GRCh37 (hg19) VCF-style: chr1-115880812-C-A.
Identifiers: ClinVar variation 512889 (VCV000512889.1), dbSNP rs550213301, ClinGen allele CA658795504.

ClinVar aggregate classification (germline): Likely benign (1 of 4 stars; one submission).

Submission:

GeneDx
Classification: Likely benign. Last evaluated: 2017-10-26. Review status: criteria provided, single submitter. Criteria: GeneDx Variant Classification (06012015). Collection method: clinical testing. Allele origin: germline. Affected: yes.
Comment: This variant is considered likely benign or benign based on one or more of the following criteria: it is a conservative change, it occurs at a poorly conserved position in the protein, it is predicted to be benign by multiple in silico algorithms, and/or has population frequency not consistent with disease.